The following is an entry in ClinVar:

NM_001283009.2(RTEL1):c.707G>A (p.Arg236Lys)

Genes: RTEL1 (regulator of telomere elongation helicase 1; plus strand), RTEL1-TNFRSF6B (RTEL1-TNFRSF6B readthrough (NMD candidate); plus strand). Cytogenetic location: 20q13.33.
Variant type: single nucleotide variant.
Coding change: c.707G>A on transcript NM_001283009.2 (MANE Select); coding-DNA position 707, G replaced by A.
Protein change: p.Arg236Lys; replaces arginine 236 with lysine.
Molecular consequence: missense variant. On other transcripts: non-coding transcript variant (1).
Genome position (GRCh38, 1-based): chr20:63,672,563, G>A. VCF-style: chr20-63672563-G-A. GRCh37 (hg19) VCF-style: chr20-62303916-G-A.
Other names: c.38G>A, p.Arg13Lys (NM_001283010.1); c.707G>A, p.Arg236Lys (NM_016434.4); c.779G>A, p.Arg260Lys (NM_032957.5); short protein forms R13K, R236K, R260K.
Identifiers: ClinVar variation 2566302 (VCV002566302.2), dbSNP rs2090265981, ClinGen allele CA409671917.

ClinVar aggregate classification (germline): Uncertain significance (1 of 4 stars; one submission).

Conditions:
Inborn genetic diseases. Identifiers: MedGen C0950123, MeSH D030342.

Allele frequency attached by ClinVar (database versions not stated): TOPMed below 0.00001.

Submission:

Ambry Genetics
Classification: Uncertain significance for Inborn genetic diseases. Last evaluated: 2023-03-23. Review status: criteria provided, single submitter. Criteria: Ambry Variant Classification Scheme 2023. Collection method: clinical testing. Allele origin: germline.
Comment: The p.R260K variant (also known as c.779G>A), located in coding exon 8 of the RTEL1 gene, results from a G to A substitution at nucleotide position 779. The arginine at codon 260 is replaced by lysine, an amino acid with highly similar properties. This amino acid position is conserved. In addition, this alteration is predicted to be tolerated by in silico analysis. Since supporting evidence is limited at this time, the clinical significance of this alteration remains unclear.